The following is an entry in ClinVar:

NM_004360.5(CDH1):c.364C>T (p.His122Tyr)

Gene: CDH1 (cadherin 1; plus strand). Cytogenetic location: 16q22.1.
Variant type: single nucleotide variant.
Coding change: c.364C>T on transcript NM_004360.5 (MANE Select); coding-DNA position 364, C replaced by T.
Protein change: p.His122Tyr; replaces histidine 122 with tyrosine.
Molecular consequence: missense variant. On other transcripts: 5 prime UTR variant (2).
Genome position (GRCh38, 1-based): chr16:68,801,870, C>T. VCF-style: chr16-68801870-C-T. GRCh37 (hg19) VCF-style: chr16-68835773-C-T.
Other names: c.364C>T (LRG_301t1); c.364C>T, p.His122Tyr (NM_001317184.2); c.-1252C>T (NM_001317185.2); c.-1456C>T (NM_001317186.2); short protein forms H122Y.
Identifiers: ClinVar variation 532481 (VCV000532481.15), dbSNP rs528816701, ClinGen allele CA283291536.
Genomic context (GRCh38, chr16:68,801,870, plus strand): 5'-GCCTGGGACTCCACCTACAGAAAGTTTTCCACCAAAGTCACGCTGAATACAGTGGGGCAC[C>T]ACCACCGCCCCCCGCCCCATCAGGTATGTTGGCATTTTTCTGAGAAGTTCGCTGTTGTTT-3'
Protein context (NP_004351.1, residues 112-132): TKVTLNTVGH[His122Tyr]HRPPPHQASV

ClinVar aggregate classification (germline): Conflicting classifications of pathogenicity. Review status: criteria provided, conflicting classifications (1 of 4 stars). 3 submissions from 3 submitters: Uncertain significance (2); Likely benign (1). Last evaluated 2025-05-06.

Conditions:
Hereditary cancer-predisposing syndrome. Also called: Neoplastic Syndromes, Hereditary; Hereditary neoplastic syndrome; Tumor predisposition; Hereditary Cancer Syndrome. Identifiers: Orphanet 140162, MedGen C0027672, MeSH D009386, MONDO:0015356.
Hereditary diffuse gastric adenocarcinoma (HDGC). Also called: DIFFUSE GASTRIC AND LOBULAR BREAST CANCER SYNDROME. Identifiers: Orphanet 26106, MedGen C1708349, MONDO:0007648, OMIM 137215.

Allele frequency attached by ClinVar (database versions not stated): gnomAD 0.00001.
gnomAD v4.1: 1 of 1,614,032 alleles (0.000062%); highest among the groups gnomAD compares: East Asian, 0.0022%; no homozygotes.

Submissions (3):

Labcorp Genetics (formerly Invitae), Labcorp
Classification: Uncertain significance for Hereditary diffuse gastric adenocarcinoma. Last evaluated: 2025-05-06. Review status: criteria provided, single submitter. Criteria: Invitae Variant Classification Sherloc (09022015). Collection method: clinical testing. Allele origin: germline.
Comment: This sequence change replaces histidine, which is basic and polar, with tyrosine, which is neutral and polar, at codon 122 of the CDH1 protein (p.His122Tyr). This variant is not present in population databases (gnomAD no frequency). This variant has not been reported in the literature in individuals affected with CDH1-related conditions. ClinVar contains an entry for this variant (Variation ID: 532481). An algorithm developed to predict the effect of missense changes on protein structure and function (PolyPhen-2) suggests that this variant is likely to be tolerated. In summary, the available evidence is currently insufficient to determine the role of this variant in disease. Therefore, it has been classified as a Variant of Uncertain Significance.

Ambry Genetics
Classification: Likely benign for Hereditary cancer-predisposing syndrome. Last evaluated: 2023-11-30. Review status: criteria provided, single submitter. Criteria: Ambry Variant Classification Scheme 2023. Collection method: clinical testing. Allele origin: germline.

GeneDx
Classification: Uncertain significance. Last evaluated: 2019-12-13. Review status: criteria provided, single submitter. Criteria: GeneDx Variant Classification Process June 2021. Collection method: clinical testing. Allele origin: germline. Affected: yes.
Comment: Not observed in large population cohorts (Lek 2016); In silico analysis, which includes protein predictors and evolutionary conservation, supports that this variant does not alter protein structure/function; Has not been previously published as pathogenic or benign to our knowledge